The following is an entry in ClinVar:

ClinVar aggregate classification (germline): Uncertain significance (1 of 4 stars; one submission).

Submission:

GeneDx
Classification: Uncertain significance. Last evaluated: 2025-01-06. Review status: criteria provided, single submitter. Criteria: GeneDx Variant Classification Process June 2021. Collection method: clinical testing. Allele origin: germline. Affected: yes.
Comment: Not observed at significant frequency in large population cohorts (gnomAD); In silico analysis supports that this missense variant has a deleterious effect on protein structure/function; Has not been previously published as pathogenic or benign to our knowledge

NM_001114753.3(ENG):c.1847A>G (p.His616Arg)

Gene: ENG (endoglin; minus strand). Cytogenetic location: 9q34.11.
Variant type: single nucleotide variant.
Coding change: c.1847A>G on transcript NM_001114753.3 (MANE Select); coding-DNA position 1847, A replaced by G.
Protein change: p.His616Arg; replaces histidine 616 with arginine.
Molecular consequence: missense variant.
Genome position (GRCh38, 1-based): chr9:127,815,948, T>C on the plus strand (A>G on the coding strand, the complement: ENG is on the minus strand). VCF-style: chr9-127815948-T-C. GRCh37 (hg19) VCF-style: chr9-130578227-T-C.
Other names: c.1847A>G, p.His616Arg (NM_000118.4); c.1301A>G, p.His434Arg (NM_001278138.2); short protein forms H434R, H616R.
Identifiers: ClinVar variation 4056948 (VCV004056948.1).